The following is an entry in ClinVar:

ClinVar aggregate classification (germline): Uncertain significance (1 of 4 stars; one submission).

Allele frequency attached by ClinVar (database versions not stated): gnomAD 0.00007; TOPMed 0.00008; ExAC 0.00012; 1000 Genomes Project 30x 0.00047; 1000 Genomes Project 0.00060.
gnomAD v4.1: 93 of 1,614,114 alleles (0.0058%); highest among the groups gnomAD compares: South Asian, 0.057%; 1 homozygote.

Submission:

Pediatric Department, Xiangya Hospital, Central South University
Classification: Uncertain significance. Review status: criteria provided, single submitter. Criteria: ACMG Guidelines, 2015. Collection method: clinical testing. Allele origin: maternal. Affected: yes.
Comment: This variant was observed in compound heterozygosity with variant (c.473G>C)

NM_144772.3(NAXE):c.490C>A (p.Pro164Thr)

Gene: NAXE (NAD(P)HX epimerase; plus strand). Cytogenetic location: 1q22.
Variant type: single nucleotide variant.
Coding change: c.490C>A on transcript NM_144772.3 (MANE Select); coding-DNA position 490, C replaced by A.
Protein change: p.Pro164Thr; replaces proline 164 with threonine.
Molecular consequence: missense variant.
Genome position (GRCh38, 1-based): chr1:156,592,644, C>A. VCF-style: chr1-156592644-C-A. GRCh37 (hg19) VCF-style: chr1-156562436-C-A.
Other names: short protein forms P164T.
Identifiers: ClinVar variation 1802976 (VCV001802976.1), dbSNP rs146047358, ClinGen allele CA1162788.